The following is an entry in ClinVar:

NM_001378454.1(ALMS1):c.9781+1G>A

Gene: ALMS1 (ALMS1 centrosome and basal body associated protein; plus strand). Cytogenetic location: 2p13.1.
Variant type: single nucleotide variant.
Coding change: c.9781+1G>A on transcript NM_001378454.1 (MANE Select); the canonical splice donor site of the intron after coding-DNA position 9781, G replaced by A.
Molecular consequence: splice donor variant.
Genome position (GRCh38, 1-based): chr2:73,520,017, G>A. VCF-style: chr2-73520017-G-A. GRCh37 (hg19) VCF-style: chr2-73747144-G-A.
Other names: c.9784+1G>A (NM_015120.4); c.9781+1G>A (NM_015120.4).
Identifiers: ClinVar variation 4815811 (VCV004815811.1).
Genomic context (GRCh38, chr2:73,520,017, plus strand): 5'-CTGTCAAGTTTGCCTCATCATCTTCAGTCCAACAGGTTACTTTTTCTCGCGGCACAGATG[G>A]TAAGAGAATGTGATTGCATTTTAGATTGTTAGACCAGCTCTTTTGTGTAGTTATCTTAGA-3'

ClinVar aggregate classification (germline): Likely pathogenic (1 of 4 stars; one submission).

Conditions:
Alstrom syndrome (ALMS). Identifiers: Orphanet 64, MedGen C0268425, MONDO:0008763, OMIM 203800.

Submission:

Natera, Inc.
Classification: Likely pathogenic for Alstrom syndrome. Last evaluated: 2025-12-10. Review status: criteria provided, single submitter. Criteria: Natera Variant Classification Schema (03/2026). Collection method: clinical testing. Allele origin: germline.
Comment: The c.9784+1G>A variant in ALMS1 is a canonical splice donor site variant predicted to affect pre-mRNA splicing, which may result in an abnormal transcript and altered protein product. This variant is expected to result in nonsense mediated decay, truncation, or a dysfunctional protein product. This variant is rare in the general population with a frequency below the threshold expected for the associated phenotype(s). Given the available evidence, this variant is classified as Likely Pathogenic.